The following is an entry in ClinVar:

NM_004519.4(KCNQ3):c.2312C>T (p.Ser771Leu)

Gene: KCNQ3 (potassium voltage-gated channel subfamily Q member 3; minus strand). Cytogenetic location: 8q24.22.
Variant type: single nucleotide variant.
Coding change: c.2312C>T on transcript NM_004519.4 (MANE Select); coding-DNA position 2312, C replaced by T.
Protein change: p.Ser771Leu; replaces serine 771 with leucine.
Molecular consequence: missense variant.
Genome position (GRCh38, 1-based): chr8:132,129,569, G>A on the plus strand (C>T on the coding strand, the complement: KCNQ3 is on the minus strand). VCF-style: chr8-132129569-G-A. GRCh37 (hg19) VCF-style: chr8-133141816-G-A.
Other names: c.1952C>T, p.Ser651Leu (NM_001204824.2); short protein forms S771L, S651L.
Identifiers: ClinVar variation 1399817 (VCV001399817.28), dbSNP rs372002816, ClinGen allele CA4880465.

ClinVar aggregate classification (germline): Conflicting classifications of pathogenicity. Review status: criteria provided, conflicting classifications (1 of 4 stars). 2 submissions from 2 submitters: Uncertain significance (1); Likely benign (1). Last evaluated 2026-02-03.

Conditions:
Benign neonatal seizures. Also called: Convulsions benign familial neonatal dominant form; Autosomal dominant form of benign neonatal seizures; Benign neonatal familial convulsions; Benign familial neonatal epilepsy; Benign familial neonatal seizures. Identifiers: Orphanet 1949, MedGen C0220669, MONDO:0016027.

Allele frequency attached by ClinVar (database versions not stated): TOPMed 0.00002; gnomAD 0.00003 and 0.00004; ESP Exome Variant Server 0.00008.
gnomAD v4.1: 27 of 1,614,054 alleles (0.0017%); highest among the groups gnomAD compares: Middle Eastern, 0.016%; no homozygotes.

Submissions (2):

Labcorp Genetics (formerly Invitae), Labcorp
Classification: Uncertain significance for Benign neonatal seizures. Last evaluated: 2026-02-03. Review status: criteria provided, single submitter. Criteria: Invitae Variant Classification Sherloc (09022015). Collection method: clinical testing. Allele origin: germline.
Comment: This sequence change replaces serine, which is neutral and polar, with leucine, which is neutral and non-polar, at codon 771 of the KCNQ3 protein (p.Ser771Leu). This variant is present in population databases (rs372002816, gnomAD 0.003%). This variant has not been reported in the literature in individuals affected with KCNQ3-related conditions. ClinVar contains an entry for this variant (Variation ID: 1399817). Invitae Evidence Modeling of protein sequence and biophysical properties (such as structural, functional, and spatial information, amino acid conservation, physicochemical variation, residue mobility, and thermodynamic stability) indicates that this missense variant is not expected to disrupt KCNQ3 protein function with a negative predictive value of 95%. In summary, the available evidence is currently insufficient to determine the role of this variant in disease. Therefore, it has been classified as a Variant of Uncertain Significance.

CeGaT Center for Human Genetics Tuebingen
Classification: Likely benign. Last evaluated: 2023-09-01. Review status: criteria provided, single submitter. Criteria: CeGaT Center For Human Genetics Tuebingen Variant Classification Criteria Version 2. Collection method: clinical testing. Allele origin: germline. Affected: yes. Observed: 1 variant allele.
Comment: KCNQ3: BP4